The following is an entry in ClinVar:

NM_004304.5(ALK):c.875G>T (p.Arg292Leu)

Gene: ALK (ALK receptor tyrosine kinase; minus strand). Cytogenetic location: 2p23.2.
Variant type: single nucleotide variant.
Coding change: c.875G>T on transcript NM_004304.5 (MANE Select); coding-DNA position 875, G replaced by T.
Protein change: p.Arg292Leu; replaces arginine 292 with leucine.
Molecular consequence: missense variant.
Genome position (GRCh38, 1-based): chr2:29,694,927, C>A on the plus strand (G>T on the coding strand, the complement: ALK is on the minus strand). VCF-style: chr2-29694927-C-A. GRCh37 (hg19) VCF-style: chr2-29917793-C-A.
Other names: c.875G>T (NM_004304.4); short protein forms R292L.
Identifiers: ClinVar variation 1412952 (VCV001412952.7), dbSNP rs149145987, ClinGen allele CA44976846.

ClinVar aggregate classification (germline): Conflicting classifications of pathogenicity. Review status: criteria provided, conflicting classifications (1 of 4 stars). 2 submissions from 2 submitters: Uncertain significance (1); Likely benign (1). Last evaluated 2025-10-07.

Conditions:
Neuroblastoma, susceptibility to, 3. Also called: ALK-Related Neuroblastic Tumor Susceptibility. Identifiers: Orphanet 635, MedGen C2751681, MONDO:0013083, OMIM 613014.
Hereditary cancer-predisposing syndrome. Also called: Hereditary neoplastic syndrome; Neoplastic Syndromes, Hereditary; Hereditary Cancer Syndrome; Tumor predisposition. Identifiers: Orphanet 140162, MedGen C0027672, MeSH D009386, MONDO:0015356.

gnomAD v4.1: 10 of 1,614,092 alleles (0.00062%); highest among the groups gnomAD compares: Non-Finnish European, 0.00085%; no homozygotes.

Submissions (2):

Labcorp Genetics (formerly Invitae), Labcorp
Classification: Uncertain significance for Neuroblastoma, susceptibility to, 3. Last evaluated: 2025-10-07. Review status: criteria provided, single submitter. Criteria: Invitae Variant Classification Sherloc (09022015). Collection method: clinical testing. Allele origin: germline.
Comment: This sequence change replaces arginine, which is basic and polar, with leucine, which is neutral and non-polar, at codon 292 of the ALK protein (p.Arg292Leu). This variant is present in population databases (no rsID available, gnomAD 0.0009%). This variant has not been reported in the literature in individuals affected with ALK-related conditions. ClinVar contains an entry for this variant (Variation ID: 1412952). An algorithm developed to predict the effect of missense changes on protein structure and function (PolyPhen-2) suggests that this variant is likely to be disruptive. In summary, the available evidence is currently insufficient to determine the role of this variant in disease. Therefore, it has been classified as a Variant of Uncertain Significance.

Ambry Genetics
Classification: Likely benign for Hereditary cancer-predisposing syndrome. Last evaluated: 2025-03-03. Review status: criteria provided, single submitter. Criteria: Ambry Variant Classification Scheme 2023. Collection method: clinical testing. Allele origin: germline.